The following is an entry in ClinVar:

NM_003060.4(SLC22A5):c.968C>T (p.Ser323Phe)

Gene: SLC22A5 (solute carrier family 22 member 5; plus strand). Cytogenetic location: 5q31.1.
Variant type: single nucleotide variant.
Coding change: c.968C>T on transcript NM_003060.4 (MANE Select); coding-DNA position 968, C replaced by T.
Protein change: p.Ser323Phe; replaces serine 323 with phenylalanine.
Molecular consequence: missense variant.
Genome position (GRCh38, 1-based): chr5:132,388,937, C>T. VCF-style: chr5-132388937-C-T. GRCh37 (hg19) VCF-style: chr5-131724629-C-T.
Other names: c.1040C>T, p.Ser347Phe (NM_001308122.2); short protein forms S323F, S347F.
Identifiers: ClinVar variation 1478896 (VCV001478896.6), dbSNP rs2126788019, ClinGen allele CA360806073.
Genomic context (GRCh38, chr5:132,388,937, plus strand): 5'-TGACCACCTCTTCTTCCCATACACTTATGATGTTGTTCCTGCAGTTACAAGACCTAAGTT[C>T]CAAGAAGCAGCAGTCCCACAACATTCTGGATCTGCTTCGAACCTGGAATATCCGGATGGT-3'
Protein context (NP_003051.1, residues 313-333): FDPSELQDLS[Ser323Phe]KKQQSHNILD

ClinVar aggregate classification (germline): Uncertain significance (1 of 4 stars; one submission).

Conditions:
Renal carnitine transport defect (CDSP). Also called: Primary carnitine deficiency; Systemic primary carnitine deficiency; CARNITINE DEFICIENCY, SYSTEMIC, DUE TO DEFECT IN RENAL REABSORPTION OF CARNITINE; CARNITINE TRANSPORTER, PLASMA-MEMBRANE, DEFICIENCY OF; CARNITINE UPTAKE DEFECT; Carnitine transporter deficiency. Identifiers: Orphanet 158, MedGen C0342788, MONDO:0008919, OMIM 212140.

Submission:

Labcorp Genetics (formerly Invitae), Labcorp
Classification: Uncertain significance for Renal carnitine transport defect. Last evaluated: 2021-10-04. Review status: criteria provided, single submitter. Criteria: Invitae Variant Classification Sherloc (09022015). Collection method: clinical testing. Allele origin: germline.
Comment: In summary, the available evidence is currently insufficient to determine the role of this variant in disease. Therefore, it has been classified as a Variant of Uncertain Significance. Advanced modeling of protein sequence and biophysical properties (such as structural, functional, and spatial information, amino acid conservation, physicochemical variation, residue mobility, and thermodynamic stability) performed at Invitae indicates that this missense variant is not expected to disrupt SLC22A5 protein function. This variant has not been reported in the literature in individuals affected with SLC22A5-related conditions. This variant is not present in population databases (ExAC no frequency). This sequence change replaces serine with phenylalanine at codon 323 of the SLC22A5 protein (p.Ser323Phe). The serine residue is moderately conserved and there is a large physicochemical difference between serine and phenylalanine.